The following is an entry in ClinVar:

ClinVar aggregate classification (germline): Uncertain significance (1 of 4 stars; one submission).

Conditions:
46,XY sex reversal 6. Also called: 46,XY GONADAL DYSGENESIS, PARTIAL OR COMPLETE, MAP3K1-RELATED; 46,XY SEX REVERSAL, PARTIAL OR COMPLETE, MAP3K1-RELATED. Identifiers: MedGen C3151064, MONDO:0013410, OMIM 613762.

Submission:

Labcorp Genetics (formerly Invitae), Labcorp
Classification: Uncertain significance for 46,XY sex reversal 6. Last evaluated: 2022-12-16. Review status: criteria provided, single submitter. Criteria: Invitae Variant Classification Sherloc (09022015). Collection method: clinical testing. Allele origin: germline.
Comment: This sequence change replaces glycine, which is neutral and non-polar, with aspartic acid, which is acidic and polar, at codon 104 of the MAP3K1 protein (p.Gly104Asp). This variant is not present in population databases (gnomAD no frequency). This variant has not been reported in the literature in individuals affected with MAP3K1-related conditions. Advanced modeling of protein sequence and biophysical properties (such as structural, functional, and spatial information, amino acid conservation, physicochemical variation, residue mobility, and thermodynamic stability) performed at Invitae indicates that this missense variant is not expected to disrupt MAP3K1 protein function. In summary, the available evidence is currently insufficient to determine the role of this variant in disease. Therefore, it has been classified as a Variant of Uncertain Significance.

NM_005921.2(MAP3K1):c.311G>A (p.Gly104Asp)

Genes: MAP3K1 (mitogen-activated protein kinase kinase kinase 1; plus strand), LOC129993918 (ATAC-STARR-seq lymphoblastoid silent region 16021; plus strand). Cytogenetic location: 5q11.2.
Variant type: single nucleotide variant.
Coding change: c.311G>A on transcript NM_005921.2 (MANE Select); coding-DNA position 311, G replaced by A.
Protein change: p.Gly104Asp; replaces glycine 104 with aspartic acid.
Molecular consequence: missense variant.
Genome position (GRCh38, 1-based): chr5:56,815,884, G>A. VCF-style: chr5-56815884-G-A. GRCh37 (hg19) VCF-style: chr5-56111711-G-A.
Other names: short protein forms G104D.
Identifiers: ClinVar variation 2821577 (VCV002821577.3), dbSNP rs2111727408, ClinGen allele CA359801588.
Genomic context (GRCh38, chr5:56,815,884, plus strand): 5'-CGCCGGCCTCCTCGACTTCCCCGTCGCCGGAGCCCGCGGACGCAGCGGGGAGTGGGACCG[G>A]CTTCCAGCCTGTGGCGGTGCCGCCGCCCCACGGAGCCGCGAGCCGCGGCGGCGCCCACCT-3'
Protein context (NP_005912.1, residues 94-114): EPADAAGSGT[Gly104Asp]FQPVAVPPPH